The following is an entry in ClinVar:

NM_004426.3(PHC1):c.1845T>G (p.Val615=)

Gene: PHC1 (polyhomeotic homolog 1; plus strand). Cytogenetic location: 12p13.31.
Variant type: single nucleotide variant.
Coding change: c.1845T>G on transcript NM_004426.3 (MANE Select); coding-DNA position 1845, T replaced by G.
Protein change: p.Val615=; no amino-acid change (valine 615 retained).
Molecular consequence: synonymous variant.
Genome position (GRCh38, 1-based): chr12:8,933,302, T>G. VCF-style: chr12-8933302-T-G. GRCh37 (hg19) VCF-style: chr12-9085898-T-G.
Identifiers: ClinVar variation 1337181 (VCV001337181.6), dbSNP rs141573939, ClinGen allele CA6437052.

ClinVar aggregate classification (germline): Benign/Likely benign. Review status: criteria provided, multiple submitters, no conflicts (2 of 4 stars). 3 submissions from 3 submitters: Benign (1); Likely benign (2). Last evaluated 2026-06-11.

Conditions:
PHC1-related disorder. Also called: PHC1-related condition.

Allele frequency attached by ClinVar (database versions not stated): TOPMed 0.00318; gnomAD 0.00321 and 0.00305; ExAC 0.00340; 1000 Genomes Project 30x 0.00359; 1000 Genomes Project 0.00379; gnomAD exomes 0.00027 and 0.00096; ESP Exome Variant Server 0.00154.
gnomAD v4.1: 845 of 1,490,540 alleles (0.057%); highest among the groups gnomAD compares: African/African-American, 1.1%; 2 homozygotes.

Submissions (3):

PreventionGenetics, part of Exact Sciences
Classification: Likely benign for PHC1-related condition. Last evaluated: 2026-06-11. Review status: criteria provided, single submitter. Criteria: ACMG Guidelines, 2015. Collection method: clinical testing. Allele origin: germline.
Comment: This variant is classified as likely benign based on ACMG/AMP sequence variant interpretation guidelines (Richards et al. 2015 PMID: 25741868, with internal and published modifications).

Genetic Services Laboratory, University of Chicago
Classification: Benign. Last evaluated: 2021-07-26. Review status: criteria provided, single submitter. Criteria: ACMG Guidelines, 2015. Collection method: clinical testing. Allele origin: germline. Affected: no.

Breakthrough Genomics
Classification: Likely benign. Review status: criteria provided, single submitter. Criteria: ACMG Guidelines, 2015. Collection method: not provided. Allele origin: germline. Inheritance: Autosomal recessive inheritance. Affected: yes.